The following is an entry in ClinVar:

ClinVar aggregate classification (germline): Likely benign (1 of 4 stars; one submission).

gnomAD v4.1: 1,384 of 1,457,928 alleles (0.095%); highest among the groups gnomAD compares: Admixed American, 0.84%; 4 homozygotes.

Submission:

CeGaT Center for Human Genetics Tuebingen
Classification: Likely benign. Last evaluated: 2026-07-01. Review status: criteria provided, single submitter. Criteria: CeGaT Center For Human Genetics Tuebingen Variant Classification Criteria Version 2. Collection method: clinical testing. Allele origin: germline. Affected: yes. Observed: 1 variant allele.
Comment: ITGAD: BP4

NM_005353.3(ITGAD):c.1356+7C>T

Gene: ITGAD (integrin subunit alpha D; plus strand). Cytogenetic location: 16p11.2.
Variant type: single nucleotide variant.
Coding change: c.1356+7C>T on transcript NM_005353.3 (MANE Select); 7 bases into the intron after coding-DNA position 1356, C replaced by T.
Molecular consequence: intron variant.
Genome position (GRCh38, 1-based): chr16:31,410,885, C>T. VCF-style: chr16-31410885-C-T. GRCh37 (hg19) VCF-style: chr16-31422206-C-T.
Other names: c.1356+7C>T (NM_001318185.2).
Identifiers: ClinVar variation 5039350 (VCV005039350.1).